The following is an entry in ClinVar:

NM_001556.3(IKBKB):c.2263G>A (p.Ala755Thr)

Gene: IKBKB (inhibitor of nuclear factor kappa B kinase subunit beta; plus strand). Cytogenetic location: 8p11.21.
Variant type: single nucleotide variant.
Coding change: c.2263G>A on transcript NM_001556.3 (MANE Select); coding-DNA position 2263, G replaced by A.
Protein change: p.Ala755Thr; replaces alanine 755 with threonine.
Molecular consequence: missense variant. On other transcripts: non-coding transcript variant (3).
Genome position (GRCh38, 1-based): chr8:42,330,971, G>A. VCF-style: chr8-42330971-G-A. GRCh37 (hg19) VCF-style: chr8-42188489-G-A.
Other names: c.2071G>A, p.Ala691Thr (NM_001190720.3); c.2086G>A, p.Ala696Thr (NM_001242778.2); short protein forms A755T, A691T, A696T.
Identifiers: ClinVar variation 2143165 (VCV002143165.2), dbSNP rs202054179, ClinGen allele CA371095287.

ClinVar aggregate classification (germline): Uncertain significance (1 of 4 stars; one submission).

Conditions:
Severe combined immunodeficiency due to IKK2 deficiency. Also called: Immunodeficiency 15; IMMUNODEFICIENCY 15B. Identifiers: Orphanet 397787, MedGen C4747743, MONDO:0014267, OMIM 615592.

gnomAD v4.1: 17 of 1,614,000 alleles (0.0011%); highest among the groups gnomAD compares: Middle Eastern, 0.033%; no homozygotes.

Submission:

Labcorp Genetics (formerly Invitae), Labcorp
Classification: Uncertain significance for Severe combined immunodeficiency due to IKK2 deficiency. Last evaluated: 2024-10-31. Review status: criteria provided, single submitter. Criteria: Invitae Variant Classification Sherloc (09022015). Collection method: clinical testing. Allele origin: germline.
Comment: This sequence change replaces alanine, which is neutral and non-polar, with threonine, which is neutral and polar, at codon 755 of the IKBKB protein (p.Ala755Thr). This variant is present in population databases (no rsID available, gnomAD 0.005%). This variant has not been reported in the literature in individuals affected with IKBKB-related conditions. ClinVar contains an entry for this variant (Variation ID: 2143165). Invitae Evidence Modeling of protein sequence and biophysical properties (such as structural, functional, and spatial information, amino acid conservation, physicochemical variation, residue mobility, and thermodynamic stability) indicates that this missense variant is not expected to disrupt IKBKB protein function with a negative predictive value of 95%. In summary, the available evidence is currently insufficient to determine the role of this variant in disease. Therefore, it has been classified as a Variant of Uncertain Significance.